The following is an entry in ClinVar:

NM_020949.3(SLC7A14):c.1534G>A (p.Gly512Ser)

Genes: SLC7A14 (solute carrier family 7 member 14; minus strand), SLC7A14-AS1 (SLC7A14 antisense RNA 1; plus strand). Cytogenetic location: 3q26.2.
Variant type: single nucleotide variant.
Coding change: c.1534G>A on transcript NM_020949.3 (MANE Select); coding-DNA position 1534, G replaced by A.
Protein change: p.Gly512Ser; replaces glycine 512 with serine.
Molecular consequence: missense variant.
Genome position (GRCh38, 1-based): chr3:170,480,748, C>T on the plus strand (G>A on the coding strand, the complement: SLC7A14 is on the minus strand). VCF-style: chr3-170480748-C-T. GRCh37 (hg19) VCF-style: chr3-170198537-C-T.
Other names: short protein forms G512S.
Identifiers: ClinVar variation 953403 (VCV000953403.10), dbSNP rs139104563, ClinGen allele CA2701611.

ClinVar aggregate classification (germline): Uncertain significance. Review status: criteria provided, multiple submitters, no conflicts (2 of 4 stars). 2 submissions from 2 submitters: Uncertain significance (2). Last evaluated 2024-11-12.

Allele frequency attached by ClinVar (database versions not stated): ExAC 0.00001; gnomAD exomes 0.00002 and 0.00003; TOPMed 0.00002; gnomAD 0.00003; ESP Exome Variant Server 0.00008.
gnomAD v4.1: 55 of 1,614,040 alleles (0.0034%); highest among the groups gnomAD compares: Non-Finnish European, 0.0041%; no homozygotes.

Submissions (2):

Labcorp Genetics (formerly Invitae), Labcorp
Classification: Uncertain significance. Last evaluated: 2024-11-12. Review status: criteria provided, single submitter. Criteria: Invitae Variant Classification Sherloc (09022015). Collection method: clinical testing. Allele origin: germline.
Comment: This sequence change replaces glycine, which is neutral and non-polar, with serine, which is neutral and polar, at codon 512 of the SLC7A14 protein (p.Gly512Ser). This variant is present in population databases (rs139104563, gnomAD 0.01%). This variant has not been reported in the literature in individuals affected with SLC7A14-related conditions. ClinVar contains an entry for this variant (Variation ID: 953403). An algorithm developed to predict the effect of missense changes on protein structure and function (PolyPhen-2) suggests that this variant is likely to be tolerated. In summary, the available evidence is currently insufficient to determine the role of this variant in disease. Therefore, it has been classified as a Variant of Uncertain Significance.

Blueprint Genetics
Classification: Uncertain significance. Last evaluated: 2024-03-01. Review status: criteria provided, single submitter. Criteria: ACMG Guidelines, 2015. Collection method: clinical testing. Allele origin: germline.